The following is an entry in ClinVar:

ClinVar aggregate classification (germline): Conflicting classifications of pathogenicity. Review status: criteria provided, conflicting classifications (1 of 4 stars). 2 submissions from 2 submitters: Uncertain significance (1); Likely benign (1). Last evaluated 2025-08-05.

Conditions:
Inborn genetic diseases. Identifiers: MedGen C0950123, MeSH D030342.

Allele frequency attached by ClinVar (database versions not stated): ExAC 0.00002; gnomAD 0.00002; gnomAD exomes 0.00002; TOPMed 0.00003; ESP Exome Variant Server 0.00008.
gnomAD v4.1: 34 of 1,613,808 alleles (0.0021%); highest among the groups gnomAD compares: Non-Finnish European, 0.0027%; no homozygotes.

Submissions (2):

Ambry Genetics
Classification: Uncertain significance for Inborn genetic diseases. Last evaluated: 2025-08-05. Review status: criteria provided, single submitter. Criteria: Ambry Variant Classification Scheme 2023. Collection method: clinical testing. Allele origin: germline.

CeGaT Center for Human Genetics Tuebingen
Classification: Likely benign. Last evaluated: 2023-08-01. Review status: criteria provided, single submitter. Criteria: CeGaT Center For Human Genetics Tuebingen Variant Classification Criteria Version 2. Collection method: clinical testing. Allele origin: germline. Affected: yes. Observed: 2 variant alleles.
Comment: DHX30: BP4

NM_138615.3(DHX30):c.1129C>T (p.Arg377Trp)

Gene: DHX30 (DExH-box helicase 30; plus strand). Cytogenetic location: 3p21.31.
Variant type: single nucleotide variant.
Coding change: c.1129C>T on transcript NM_138615.3 (MANE Select); coding-DNA position 1129, C replaced by T.
Protein change: p.Arg377Trp; replaces arginine 377 with tryptophan.
Molecular consequence: missense variant.
Genome position (GRCh38, 1-based): chr3:47,846,201, C>T. VCF-style: chr3-47846201-C-T. GRCh37 (hg19) VCF-style: chr3-47887691-C-T.
Other names: c.1129C>T (NM_138615.2); c.1045C>T, p.Arg349Trp (NM_001330990.2); c.1012C>T, p.Arg338Trp (NM_014966.4); short protein forms R338W, R349W, R377W.
Identifiers: ClinVar variation 2653772 (VCV002653772.25), dbSNP rs374425976, ClinGen allele CA2369870.